The following is an entry in ClinVar:

ClinVar aggregate classification (germline): Conflicting classifications of pathogenicity. Review status: criteria provided, conflicting classifications (1 of 4 stars). 3 submissions from 3 submitters: Likely pathogenic (2); Uncertain significance (1). Last evaluated 2024-05-16.

Conditions:
Multiple sulfatase deficiency (MSD). Also called: Mucosulfatidosis; Multiple Sulfatase Deficiency Disease; Sulfatidosis, Juvenile, Austin Type. Identifiers: Orphanet 585, MedGen C0268263, MONDO:0010088, OMIM 272200.

gnomAD v4.1: 1 of 1,613,976 alleles (0.000062%); highest among the groups gnomAD compares: Non-Finnish European, 0.000085%; no homozygotes.

Submissions (3):

Fulgent Genetics
Classification: Likely pathogenic for Multiple sulfatase deficiency. Last evaluated: 2024-05-16. Review status: criteria provided, single submitter. Criteria: ACMG Guidelines, 2015. Collection method: clinical testing. Allele origin: germline.

Women's Health and Genetics/Laboratory Corporation of America, LabCorp
Classification: Uncertain significance. Last evaluated: 2024-05-09. Review status: criteria provided, single submitter. Criteria: LabCorp Variant Classification Summary - May 2015. Collection method: clinical testing. Allele origin: germline.
Comment: Variant summary: SUMF1 c.860A>T (p.Asn287Ile) results in a non-conservative amino acid change located in the sulfatase-modifying factor enzyme domain (IPR005532) of the encoded protein sequence. Five of five in-silico tools predict a damaging effect of the variant on protein function. The variant was absent in 251118 control chromosomes. c.860A>T has been reported in the literature as homozygous in one individual affected with Multiple Sulfatase Deficiency (Sheth_2023). These data indicate that the variant may be associated with disease. To our knowledge, no experimental evidence demonstrating an impact on protein function has been reported. The following publication has been ascertained in the context of this evaluation (PMID: 36959582). ClinVar contains an entry for this variant (Variation ID: 1328964). Based on the evidence outlined above, the variant was classified as VUS-possibly pathogenic.

Foundation for Research in Genetics and Endocrinology, FRIGE's Institute of Human Genetics
Classification: Likely pathogenic for Multiple sulfatase deficiency. Last evaluated: 2020-12-28. Review status: criteria provided, single submitter. Criteria: ACMG Guidelines, 2015. Collection method: clinical testing. Allele origin: biparental. Inheritance: Autosomal recessive inheritance. Affected: yes. Observed: 1 homozygote.
Comment: A homozygous missense variation in exon 7 of the SUMF1 gene that results in the amino acid substitution of Isoleucine for Asparagine at codon 287 was detected. The observed variant c.860A>T (p.Asn287Ile) has not been reported in the 1000 genomes and gnomAD database. The in silico prediction of the variant are possibly damaging by PolyPhen-2 (HumDiv) and damaging by SIFT. The reference codon is conserved across species. In summary, the variant meets our criteria to be classified as a likely pathogenic variant.

Literature cited by the submitters: PubMed 36959582 (cited by Women's Health and Genetics/Laboratory Corporation of America, LabCorp).

NM_182760.4(SUMF1):c.860A>T (p.Asn287Ile)

Gene: SUMF1 (sulfatase modifying factor 1; minus strand). Cytogenetic location: 3p26.1.
Variant type: single nucleotide variant.
Coding change: c.860A>T on transcript NM_182760.4 (MANE Select); coding-DNA position 860, A replaced by T.
Protein change: p.Asn287Ile; replaces asparagine 287 with isoleucine.
Molecular consequence: missense variant.
Genome position (GRCh38, 1-based): chr3:4,410,959, T>A on the plus strand (A>T on the coding strand, the complement: SUMF1 is on the minus strand). VCF-style: chr3-4410959-T-A. GRCh37 (hg19) VCF-style: chr3-4452643-T-A.
Other names: p.Asn287Ile; c.785A>T, p.Asn262Ile (NM_001164674.2); c.860A>T, p.Asn287Ile (NM_001164675.2); short protein forms N262I, N287I.
Identifiers: ClinVar variation 1328964 (VCV001328964.5), dbSNP rs766298096, ClinGen allele CA351631493.